The following is an entry in ClinVar:

ClinVar aggregate classification (germline): Uncertain significance. Review status: criteria provided, multiple submitters, no conflicts (2 of 4 stars). 2 submissions from 2 submitters: Uncertain significance (2). Last evaluated 2024-11-11.

Conditions:
PGM1-congenital disorder of glycosylation. Also called: CDG It; GSD XIV; PHOSPHOGLUCOMUTASE 1 DEFICIENCY; PGM1 DEFICIENCY; GLYCOGEN STORAGE DISEASE XIV; Congenital disorder of glycosylation type 1t. Identifiers: Orphanet 319646, MedGen C2752015, MONDO:0013968, OMIM 614921.
Inborn genetic diseases. Identifiers: MedGen C0950123, MeSH D030342.

Allele frequency attached by ClinVar (database versions not stated): gnomAD below 0.00001.
gnomAD v4.1: 69 of 1,613,936 alleles (0.0043%); highest among the groups gnomAD compares: South Asian, 0.068%; no homozygotes.

Submissions (2):

Ambry Genetics
Classification: Uncertain significance for Inborn genetic diseases. Last evaluated: 2024-11-11. Review status: criteria provided, single submitter. Criteria: Ambry Variant Classification Scheme 2023. Collection method: clinical testing. Allele origin: germline.

Labcorp Genetics (formerly Invitae), Labcorp
Classification: Uncertain significance for PGM1-congenital disorder of glycosylation. Last evaluated: 2021-08-31. Review status: criteria provided, single submitter. Criteria: Invitae Variant Classification Sherloc (09022015). Collection method: clinical testing. Allele origin: germline.
Comment: This sequence change replaces arginine with serine at codon 405 of the PGM1 protein (p.Arg405Ser). The arginine residue is highly conserved and there is a moderate physicochemical difference between arginine and serine. This variant is present in population databases (rs754131603, ExAC 0.08%). This variant has not been reported in the literature in individuals affected with PGM1-related conditions. Algorithms developed to predict the effect of missense changes on protein structure and function are either unavailable or do not agree on the potential impact of this missense change (SIFT: "Tolerated"; PolyPhen-2: "Possibly Damaging"; Align-GVGD: "Class C0"). In summary, the available evidence is currently insufficient to determine the role of this variant in disease. Therefore, it has been classified as a Variant of Uncertain Significance.

NM_002633.3(PGM1):c.1213C>A (p.Arg405Ser)

Gene: PGM1 (phosphoglucomutase 1; plus strand). Cytogenetic location: 1p31.3.
Variant type: single nucleotide variant.
Coding change: c.1213C>A on transcript NM_002633.3 (MANE Select); coding-DNA position 1213, C replaced by A.
Protein change: p.Arg405Ser; replaces arginine 405 with serine.
Molecular consequence: missense variant.
Genome position (GRCh38, 1-based): chr1:63,648,585, C>A. VCF-style: chr1-63648585-C-A. GRCh37 (hg19) VCF-style: chr1-64114256-C-A.
Other names: c.1213C>A (NM_002633.2); c.1267C>A, p.Arg423Ser (NM_001172818.1); c.622C>A, p.Arg208Ser (NM_001172819.2); short protein forms R208S, R405S, R423S.
Identifiers: ClinVar variation 1023761 (VCV001023761.7), dbSNP rs754131603, ClinGen allele CA889768.